The following is an entry in ClinVar:

ClinVar aggregate classification (germline): Likely benign (1 of 4 stars; one submission).

Allele frequency attached by ClinVar (database versions not stated): 1000 Genomes Project 30x 0.00390; 1000 Genomes Project 0.00419; gnomAD 0.00480 and 0.00515; TOPMed 0.00555.
gnomAD v4.1: 723 of 152,252 alleles (0.47%); highest among the groups gnomAD compares: African/African-American, 1.7%; 7 homozygotes.

Submission:

GeneDx
Classification: Likely benign. Last evaluated: 2018-06-14. Review status: criteria provided, single submitter. Criteria: GeneDx Variant Classification (06012015). Collection method: clinical testing. Allele origin: germline. Affected: yes.
Comment: This variant is considered likely benign or benign based on one or more of the following criteria: it is a conservative change, it occurs at a poorly conserved position in the protein, it is predicted to be benign by multiple in silico algorithms, and/or has population frequency not consistent with disease.

NM_001999.4(FBN2):c.7346-196C>T

Gene: FBN2 (fibrillin 2; minus strand). Cytogenetic location: 5q23.3.
Variant type: single nucleotide variant.
Coding change: c.7346-196C>T on transcript NM_001999.4 (MANE Select); 196 bases into the intron before coding-DNA position 7346, C replaced by T.
Molecular consequence: intron variant.
Genome position (GRCh38, 1-based): chr5:128,278,201, G>A on the plus strand (C>T on the coding strand, the complement: FBN2 is on the minus strand). VCF-style: chr5-128278201-G-A. GRCh37 (hg19) VCF-style: chr5-127613893-G-A.
Identifiers: ClinVar variation 676050 (VCV000676050.1), dbSNP rs140756341, ClinGen allele CA127023337.